The following is an entry in ClinVar:

NM_018896.5(CACNA1G):c.1140C>T (p.Ile380=)

Gene: CACNA1G (calcium voltage-gated channel subunit alpha1 G; plus strand). Cytogenetic location: 17q21.33.
Variant type: single nucleotide variant.
Coding change: c.1140C>T on transcript NM_018896.5 (MANE Select); coding-DNA position 1140, C replaced by T.
Protein change: p.Ile380=; no amino-acid change (isoleucine 380 retained).
Molecular consequence: synonymous variant. On other transcripts: non-coding transcript variant (5).
Genome position (GRCh38, 1-based): chr17:50,573,113, C>T. VCF-style: chr17-50573113-C-T. GRCh37 (hg19) VCF-style: chr17-48650474-C-T.
Other names: c.1140C>T, p.Ile380= (NM_198387.3, NM_198388.3, NM_198396.3 and 24 more transcripts).
Identifiers: ClinVar variation 3012209 (VCV003012209.3), dbSNP rs778924315, ClinGen allele CA8652099.

ClinVar aggregate classification (germline): Uncertain significance (1 of 4 stars; one submission).

Allele frequency attached by ClinVar (database versions not stated): gnomAD exomes below 0.00001; gnomAD 0.00001; TOPMed 0.00002.
gnomAD v4.1: 6 of 1,562,200 alleles (0.00038%); highest among the groups gnomAD compares: African/African-American, 0.0027%; no homozygotes.

Submission:

Labcorp Genetics (formerly Invitae), Labcorp
Classification: Uncertain significance. Last evaluated: 2023-03-26. Review status: criteria provided, single submitter. Criteria: Invitae Variant Classification Sherloc (09022015). Collection method: clinical testing. Allele origin: germline.
Comment: This sequence change affects codon 380 of the CACNA1G mRNA. It is a 'silent' change, meaning that it does not change the encoded amino acid sequence of the CACNA1G protein. It affects a nucleotide within the consensus splice site. The frequency data for this variant in the population databases is considered unreliable, as metrics indicate poor data quality at this position in the gnomAD database. In summary, the available evidence is currently insufficient to determine the role of this variant in disease. Therefore, it has been classified as a Variant of Uncertain Significance. Algorithms developed to predict the effect of sequence changes on RNA splicing suggest that this variant is not likely to affect RNA splicing. This variant has not been reported in the literature in individuals affected with CACNA1G-related conditions.